The following is an entry in ClinVar:

NM_177924.5(ASAH1):c.1061T>C (p.Met354Thr)

Gene: ASAH1 (N-acylsphingosine amidohydrolase 1; minus strand). Cytogenetic location: 8p22.
Variant type: single nucleotide variant.
Coding change: c.1061T>C on transcript NM_177924.5 (MANE Select); coding-DNA position 1061, T replaced by C.
Protein change: p.Met354Thr; replaces methionine 354 with threonine.
Molecular consequence: missense variant.
Genome position (GRCh38, 1-based): chr8:18,058,872, A>G on the plus strand (T>C on the coding strand, the complement: ASAH1 is on the minus strand). VCF-style: chr8-18058872-A-G. GRCh37 (hg19) VCF-style: chr8-17916381-A-G.
Other names: c.1043T>C, p.Met348Thr (NM_001127505.3); c.866T>C, p.Met289Thr (NM_001363743.2); c.1109T>C, p.Met370Thr (NM_004315.6); short protein forms M348T, M354T, M370T, M289T.
Identifiers: ClinVar variation 1440431 (VCV001440431.4), dbSNP rs779831936, ClinGen allele CA4650552.

ClinVar aggregate classification (germline): Uncertain significance (1 of 4 stars; one submission).

Allele frequency attached by ClinVar (database versions not stated): ExAC 0.00001; gnomAD exomes 0.00001; gnomAD 0.00002; TOPMed 0.00002.
gnomAD v4.1: 16 of 1,612,250 alleles (0.00099%); highest among the groups gnomAD compares: Middle Eastern, 0.016%; no homozygotes.

Submission:

Labcorp Genetics (formerly Invitae), Labcorp
Classification: Uncertain significance. Last evaluated: 2025-07-07. Review status: criteria provided, single submitter. Criteria: Invitae Variant Classification Sherloc (09022015). Collection method: clinical testing. Allele origin: germline.
Comment: This sequence change replaces methionine, which is neutral and non-polar, with threonine, which is neutral and polar, at codon 354 of the ASAH1 protein (p.Met354Thr). This variant is present in population databases (rs779831936, gnomAD 0.003%). This variant has not been reported in the literature in individuals affected with ASAH1-related conditions. ClinVar contains an entry for this variant (Variation ID: 1440431). Invitae Evidence Modeling of protein sequence and biophysical properties (such as structural, functional, and spatial information, amino acid conservation, physicochemical variation, residue mobility, and thermodynamic stability) has been performed for this missense variant. However, the output from this modeling did not meet the statistical confidence thresholds required to predict the impact of this variant on ASAH1 protein function. In summary, the available evidence is currently insufficient to determine the role of this variant in disease. Therefore, it has been classified as a Variant of Uncertain Significance.